The following is an entry in ClinVar:

NM_013275.6(ANKRD11):c.2464C>T (p.Gln822Ter)

Gene: ANKRD11 (ankyrin repeat domain containing 11; minus strand). Cytogenetic location: 16q24.3.
Variant type: single nucleotide variant.
Coding change: c.2464C>T on transcript NM_013275.6 (MANE Select); coding-DNA position 2464, C replaced by T.
Protein change: p.Gln822Ter; replaces glutamine 822 with a stop codon.
Molecular consequence: nonsense.
Genome position (GRCh38, 1-based): chr16:89,284,078, G>A on the plus strand (C>T on the coding strand, the complement: ANKRD11 is on the minus strand). VCF-style: chr16-89284078-G-A. GRCh37 (hg19) VCF-style: chr16-89350486-G-A.
Other names: c.2464C>T, p.Gln822Ter (NM_001256182.2, NM_001256183.2); short protein forms Q822*.
Identifiers: ClinVar variation 1338433 (VCV001338433.4), dbSNP rs2151759808, ClinGen allele CA397162347.
Genomic context (GRCh38, chr16:89,284,078, plus strand): 5'-ACCACCGATCTCGCTGATCGTCAGAAAGGCTAAATTTGGTGTCTTCATTCTCCAGAAACT[G>A]ATTTTTGTTACAATATTCGTCAAAAGCAGAATCTTCCCTATAAACCTTTTCTTTTTTGAG-3'

ClinVar aggregate classification (germline): Pathogenic (1 of 4 stars; one submission).

Submission:

Genetic Services Laboratory, University of Chicago
Classification: Pathogenic. Last evaluated: 2018-08-28. Review status: criteria provided, single submitter. Criteria: ACMG Guidelines, 2015. Collection method: clinical testing. Allele origin: germline. Affected: yes.
Comment: DNA sequence analysis of the ANKRD11 gene demonstrated a sequence change, c.2464C>T in exon 9, that results in the creation of a premature stop codon at amino acid position 822, p.Gln822*. This pathogenic sequence change does not appear to have been previously described in patients with ANKRD11-related disorders and it is absent from population databases (ExAC, gnomAD). This pathogenic sequence change is predicted to result in an abnormal transcript, which may be degraded, or may lead to the production of a truncated ANKRD11 protein with potentially abnormal function.